The following is an entry in ClinVar:

ClinVar aggregate classification (germline): Likely pathogenic (1 of 4 stars; one submission).

Submission:

Labcorp Genetics (formerly Invitae), Labcorp
Classification: Likely pathogenic. Last evaluated: 2022-08-09. Review status: criteria provided, single submitter. Criteria: Invitae Variant Classification Sherloc (09022015). Collection method: clinical testing. Allele origin: germline.
Comment: This sequence change replaces glycine, which is neutral and non-polar, with aspartic acid, which is acidic and polar, at codon 1154 of the COL4A1 protein (p.Gly1154Asp). This variant is not present in population databases (gnomAD no frequency). This variant has not been reported in the literature in individuals affected with COL4A1-related conditions. ClinVar contains an entry for this variant (Variation ID: 1501385). Advanced modeling of protein sequence and biophysical properties (such as structural, functional, and spatial information, amino acid conservation, physicochemical variation, residue mobility, and thermodynamic stability) performed at Invitae indicates that this missense variant is expected to disrupt COL4A1 protein function. This variant disrupts the triple helix domain of COL4A1. Glycine residues within the Gly-Xaa-Yaa repeats of the triple helix domain are required for the structure and stability of fibrillar collagens (PMID: 7695699, 8218237, 19344236). In COL4A1 variants affecting these glycine residues are significantly enriched in individuals with disease (PMID: 9016532, 17078022) compared to the general population (ExAC). In summary, the currently available evidence indicates that the variant is pathogenic, but additional data are needed to prove that conclusively. Therefore, this variant has been classified as Likely Pathogenic.

Literature cited by the submitters: PubMed 7695699; PubMed 8218237; PubMed 19344236; PubMed 9016532; PubMed 17078022.

NM_001845.6(COL4A1):c.3461G>A (p.Gly1154Asp)

Gene: COL4A1 (collagen type IV alpha 1 chain; minus strand). Cytogenetic location: 13q34.
Variant type: single nucleotide variant.
Coding change: c.3461G>A on transcript NM_001845.6 (MANE Select); coding-DNA position 3461, G replaced by A.
Protein change: p.Gly1154Asp; replaces glycine 1154 with aspartic acid.
Molecular consequence: missense variant.
Genome position (GRCh38, 1-based): chr13:110,173,944, C>T on the plus strand (G>A on the coding strand, the complement: COL4A1 is on the minus strand). VCF-style: chr13-110173944-C-T. GRCh37 (hg19) VCF-style: chr13-110826291-C-T.
Other names: short protein forms G1154D.
Identifiers: ClinVar variation 1501385 (VCV001501385.8), dbSNP rs2139159547, ClinGen allele CA388664191.